The following is an entry in ClinVar:

NM_001032283.3(TMPO):c.83C>T (p.Pro28Leu)

Genes: TMPO (thymopoietin; plus strand), TMPO-AS1 (TMPO antisense RNA 1; minus strand). Cytogenetic location: 12q23.1.
Variant type: single nucleotide variant.
Coding change: c.83C>T on transcript NM_001032283.3 (MANE Select); coding-DNA position 83, C replaced by T.
Protein change: p.Pro28Leu; replaces proline 28 with leucine.
Molecular consequence: missense variant.
Genome position (GRCh38, 1-based): chr12:98,515,950, C>T. VCF-style: chr12-98515950-C-T. GRCh37 (hg19) VCF-style: chr12-98909728-C-T.
Other names: c.83C>T, p.Pro28Leu (NM_001032284.3, NM_001307975.2, NM_003276.2); short protein forms P28L.
Identifiers: ClinVar variation 3458757 (VCV003458757.1).
Genomic context (GRCh38, chr12:98,515,950, plus strand): 5'-CCTCGGTCCTGACAAAAGACAAGTTGAAGAGTGAGTTGGTCGCCAACAATGTGACGCTGC[C>T]GGCCGGGGAGCAGCGCAAAGACGTGTACGTCCAGCTCTACCTGCAGCACCTCACGGCTCG-3'
Protein context (NP_001027454.1, residues 18-38): SELVANNVTL[Pro28Leu]AGEQRKDVYV

ClinVar aggregate classification (germline): Uncertain significance (1 of 4 stars; one submission).

gnomAD v4.1: 2 of 1,613,430 alleles (0.00012%); highest among the groups gnomAD compares: African/African-American, 0.0013%; no homozygotes.

Submission:

Ambry Genetics
Classification: Uncertain significance. Last evaluated: 2024-09-23. Review status: criteria provided, single submitter. Criteria: Ambry Variant Classification Scheme 2023. Collection method: clinical testing. Allele origin: germline.
Comment: The p.P28L variant (also known as c.83C>T), located in coding exon 1 of the TMPO gene, results from a C to T substitution at nucleotide position 83. The proline at codon 28 is replaced by leucine, an amino acid with similar properties. This amino acid position is conserved. In addition, this alteration is predicted to be deleterious by in silico analysis. Based on the available evidence, the clinical significance of this variant remains unclear.